The following is an entry in ClinVar:

ClinVar aggregate classification (germline): Pathogenic/Likely pathogenic. Review status: criteria provided, multiple submitters, no conflicts (2 of 4 stars). 3 submissions from 3 submitters: Pathogenic (1); Likely pathogenic (2). Last evaluated 2025-10-24.

Conditions:
MLYCD-related disorder. Also called: MLYCD-related condition.
Deficiency of malonyl-CoA decarboxylase. Also called: Malonic aciduria; MCD deficiency. Identifiers: Orphanet 943, MedGen C0342793, MONDO:0009556, OMIM 248360.

Submissions (3):

Labcorp Genetics (formerly Invitae), Labcorp
Classification: Pathogenic for Deficiency of malonyl-CoA decarboxylase. Last evaluated: 2025-10-24. Review status: criteria provided, single submitter. Criteria: Invitae Variant Classification Sherloc (09022015). Collection method: clinical testing. Allele origin: germline.
Comment: This sequence change creates a premature translational stop signal (p.Asp160Glyfs*21) in the MLYCD gene. It is expected to result in an absent or disrupted protein product. Loss-of-function variants in MLYCD are known to be pathogenic (PMID: 12955715, 17186413). This variant is not present in population databases (gnomAD no frequency). This variant has not been reported in the literature in individuals affected with MLYCD-related conditions. ClinVar contains an entry for this variant (Variation ID: 1390007). For these reasons, this variant has been classified as Pathogenic.

Blueprint Genetics
Classification: Likely pathogenic for MLYCD-related disorders. Last evaluated: 2024-09-16. Review status: criteria provided, single submitter. Criteria: ACMG Guidelines, 2015. Collection method: clinical testing. Allele origin: germline. Affected: yes. Observed: 5 variant alleles.

Fulgent Genetics
Classification: Likely pathogenic for Deficiency of malonyl-CoA decarboxylase. Last evaluated: 2024-03-30. Review status: criteria provided, single submitter. Criteria: ACMG Guidelines, 2015. Collection method: clinical testing. Allele origin: germline.

Literature cited by the submitters: PubMed 12955715 (cited by Labcorp Genetics (formerly Invitae), Labcorp); PubMed 17186413 (cited by Labcorp Genetics (formerly Invitae), Labcorp).

NM_012213.3(MLYCD):c.478_479insGGGCG (p.Asp160fs)

Genes: MLYCD (malonyl-CoA decarboxylase; plus strand), LOC130059555 (ATAC-STARR-seq lymphoblastoid silent region 7770; plus strand). Cytogenetic location: 16q23.3.
Variant type: Insertion.
Coding change: c.478_479insGGGCG on transcript NM_012213.3 (MANE Select); coding-DNA positions 478 to 479, GGGCG inserted.
Protein change: p.Asp160fs; shifts the reading frame from aspartic acid 160.
Molecular consequence: frameshift variant.
Genome position: GRCh38 VCF-style: chr16-83899620-C-CCGGGG. GRCh37 (hg19) VCF-style: chr16-83933225-C-CCGGGG.
Other names: short protein forms D160fs.
Identifiers: ClinVar variation 1390007 (VCV001390007.9), dbSNP rs760768992, ClinGen allele CA8197244.